The following is an entry in ClinVar:

ClinVar aggregate classification (germline): Uncertain significance. Review status: criteria provided, multiple submitters, no conflicts (2 of 4 stars). 3 submissions from 3 submitters: Uncertain significance (3). Last evaluated 2024-07-20.

Conditions:
Spastic paraplegia. Identifiers: MedGen C0037772, HP:0001258.
Hereditary spastic paraplegia. Also called: Familial spastic paraparesis. Identifiers: Orphanet 685, MedGen C0037773, MONDO:0019064. Disease mechanism: loss of function.

Allele frequency attached by ClinVar (database versions not stated): gnomAD 0.00001; gnomAD exomes 0.00001 and 0.00002; ExAC 0.00002.
gnomAD v4.1: 13 of 1,614,146 alleles (0.00081%); highest among the groups gnomAD compares: East Asian, 0.0022%; no homozygotes.

Submissions (3):

Labcorp Genetics (formerly Invitae), Labcorp
Classification: Uncertain significance for Spastic paraplegia. Last evaluated: 2024-07-20. Review status: criteria provided, single submitter. Criteria: Invitae Variant Classification Sherloc (09022015). Collection method: clinical testing. Allele origin: germline.
Comment: This sequence change replaces phenylalanine, which is neutral and non-polar, with serine, which is neutral and polar, at codon 407 of the CYP7B1 protein (p.Phe407Ser). This variant is present in population databases (rs769450032, gnomAD 0.01%). This missense change has been observed in individual(s) with clinical features of hereditary spastic paraplegia (PMID: 34983064; Invitae). ClinVar contains an entry for this variant (Variation ID: 219911). Advanced modeling of protein sequence and biophysical properties (such as structural, functional, and spatial information, amino acid conservation, physicochemical variation, residue mobility, and thermodynamic stability) performed at Invitae indicates that this missense variant is expected to disrupt CYP7B1 protein function with a positive predictive value of 80%. In summary, the available evidence is currently insufficient to determine the role of this variant in disease. Therefore, it has been classified as a Variant of Uncertain Significance.

Genome Diagnostics Laboratory, The Hospital for Sick Children
Classification: Uncertain significance for Hereditary spastic paraplegia. Last evaluated: 2020-10-15. Review status: criteria provided, single submitter. Criteria: ACMG Guidelines, 2015. Collection method: clinical testing. Allele origin: germline. Affected: yes.

Paris Brain Institute, Inserm - ICM
Classification: Uncertain significance for Spastic paraplegia. Review status: criteria provided, single submitter. Criteria: ACMG Guidelines, 2015. Collection method: clinical testing. Allele origin: unknown. Affected: yes. Observed: 1 variant allele.

Literature cited by the submitters: PubMed 34983064 (cited by Labcorp Genetics (formerly Invitae), Labcorp).

NM_004820.5(CYP7B1):c.1220T>C (p.Phe407Ser)

Gene: CYP7B1 (cytochrome P450 family 7 subfamily B member 1; minus strand). Cytogenetic location: 8q12.3.
Variant type: single nucleotide variant.
Coding change: c.1220T>C on transcript NM_004820.5 (MANE Select); coding-DNA position 1220, T replaced by C.
Protein change: p.Phe407Ser; replaces phenylalanine 407 with serine.
Molecular consequence: missense variant.
Genome position (GRCh38, 1-based): chr8:64,604,695, A>G on the plus strand (T>C on the coding strand, the complement: CYP7B1 is on the minus strand). VCF-style: chr8-64604695-A-G. GRCh37 (hg19) VCF-style: chr8-65517252-A-G.
Other names: c.1220T>C, p.Phe407Ser (NM_001324112.2); c.1220T>C (NM_004820.4); short protein forms F407S.
Identifiers: ClinVar variation 219911 (VCV000219911.12), dbSNP rs769450032, ClinGen allele CA349606.